The following is an entry in ClinVar:

NM_003072.5(SMARCA4):c.614A>G (p.Gln205Arg)

Gene: SMARCA4 (SWI/SNF related BAF chromatin remodeling complex subunit ATPase 4; plus strand). Cytogenetic location: 19p13.2.
Variant type: single nucleotide variant.
Coding change: c.614A>G on transcript NM_003072.5 (MANE Select); coding-DNA position 614, A replaced by G.
Protein change: p.Gln205Arg; replaces glutamine 205 with arginine.
Molecular consequence: missense variant. On other transcripts: non-coding transcript variant (1).
Genome position (GRCh38, 1-based): chr19:10,986,447, A>G. VCF-style: chr19-10986447-A-G. GRCh37 (hg19) VCF-style: chr19-11097123-A-G.
Other names: c.614A>G, p.Gln205Arg (NM_001128844.3, NM_001128845.2, NM_001128846.2 and 4 more transcripts); short protein forms Q205R.
Identifiers: ClinVar variation 946394 (VCV000946394.10), dbSNP rs2086040527, ClinGen allele CA404056576.
Genomic context (GRCh38, chr19:10,986,447, plus strand): 5'-TGGCCTACAAGATGCTGGCCAGGGGGCAGCCCCTCCCCGACCACCTGCAGATGGCGGTGC[A>G]GGGCAAGCGGCCGATGCCCGGGATGCAGCAGCAGATGCCAACGCTACCTCCACCCTCGGT-3'
Protein context (NP_003063.2, residues 195-215): PLPDHLQMAV[Gln205Arg]GKRPMPGMQQ

ClinVar aggregate classification (germline): Uncertain significance. Review status: criteria provided, multiple submitters, no conflicts (2 of 4 stars). 2 submissions from 2 submitters: Uncertain significance (2). Last evaluated 2024-04-12.

Conditions:
Rhabdoid tumor predisposition syndrome 2 (RTPS2). Identifiers: Orphanet 231108, Orphanet 69077, MedGen C2750074, MONDO:0013224, OMIM 613325.
Hereditary cancer-predisposing syndrome. Also called: Hereditary neoplastic syndrome; Neoplastic Syndromes, Hereditary; Tumor predisposition; Hereditary Cancer Syndrome. Identifiers: Orphanet 140162, MedGen C0027672, MeSH D009386, MONDO:0015356.

Submissions (2):

Ambry Genetics
Classification: Uncertain significance for Hereditary cancer-predisposing syndrome. Last evaluated: 2024-04-12. Review status: criteria provided, single submitter. Criteria: Ambry Variant Classification Scheme 2023. Collection method: clinical testing. Allele origin: germline.
Comment: The p.Q205R variant (also known as c.614A>G), located in coding exon 3 of the SMARCA4 gene, results from an A to G substitution at nucleotide position 614. The glutamine at codon 205 is replaced by arginine, an amino acid with highly similar properties. This amino acid position is highly conserved in available vertebrate species. In addition, the in silico prediction for this alteration is inconclusive. Based on the available evidence, the clinical significance of this variant remains unclear.

Labcorp Genetics (formerly Invitae), Labcorp
Classification: Uncertain significance for Rhabdoid tumor predisposition syndrome 2. Last evaluated: 2022-10-24. Review status: criteria provided, single submitter. Criteria: Invitae Variant Classification Sherloc (09022015). Collection method: clinical testing. Allele origin: germline.
Comment: In summary, the available evidence is currently insufficient to determine the role of this variant in disease. Therefore, it has been classified as a Variant of Uncertain Significance. Algorithms developed to predict the effect of missense changes on protein structure and function (SIFT, PolyPhen-2, Align-GVGD) all suggest that this variant is likely to be disruptive. ClinVar contains an entry for this variant (Variation ID: 946394). This variant has not been reported in the literature in individuals affected with SMARCA4-related conditions. This variant is not present in population databases (gnomAD no frequency). This sequence change replaces glutamine, which is neutral and polar, with arginine, which is basic and polar, at codon 205 of the SMARCA4 protein (p.Gln205Arg).